The following is an entry in ClinVar:

NM_001454.4(FOXJ1):c.331G>A (p.Asp111Asn)

Gene: FOXJ1 (forkhead box J1; minus strand). Cytogenetic location: 17q25.1.
Variant type: single nucleotide variant.
Coding change: c.331G>A on transcript NM_001454.4 (MANE Select); coding-DNA position 331, G replaced by A.
Protein change: p.Asp111Asn; replaces aspartic acid 111 with asparagine.
Molecular consequence: missense variant.
Genome position (GRCh38, 1-based): chr17:76,140,065, C>T on the plus strand (G>A on the coding strand, the complement: FOXJ1 is on the minus strand). VCF-style: chr17-76140065-C-T. GRCh37 (hg19) VCF-style: chr17-74136146-C-T.
Other names: short protein forms D111N.
Identifiers: ClinVar variation 3055097 (VCV003055097.2), dbSNP rs140238645, ClinGen allele CA8782068.

ClinVar aggregate classification (germline): Likely benign (0 of 4 stars; one submission).

Conditions:
FOXJ1-related disorder. Also called: FOXJ1-related condition.

Allele frequency attached by ClinVar (database versions not stated): 1000 Genomes Project 30x 0.00016; 1000 Genomes Project 0.00020; ESP Exome Variant Server 0.00069.

Submission:

PreventionGenetics, part of Exact Sciences
Classification: Likely benign for FOXJ1-related condition. Last evaluated: 2023-03-16. Review status: no assertion criteria provided. Collection method: clinical testing. Allele origin: germline.
Comment: This variant is classified as likely benign based on ACMG/AMP sequence variant interpretation guidelines (Richards et al. 2015 PMID: 25741868, with internal and published modifications).